The following is an entry in ClinVar:

NM_000382.3(ALDH3A2):c.1303_1314delinsAGTTGGG (p.Ala435fs)

Gene: ALDH3A2 (aldehyde dehydrogenase 3 family member A2; plus strand). Cytogenetic location: 17p11.2.
Variant type: Indel.
Coding change: c.1303_1314delinsAGTTGGG on transcript NM_000382.3 (MANE Select); coding-DNA positions 1303 to 1314, GCTAACAAACTC replaced by AGTTGGG.
Protein change: p.Ala435fs; shifts the reading frame from alanine 435.
Molecular consequence: frameshift variant. On other transcripts: intron variant (1).
Genome position (GRCh38, 1-based): chr17:19,671,816-19,671,827, GCTAACAAACTC replaced by AGTTGGG. VCF-style: chr17-19671816-GCTAACAAACTC-AGTTGGG. GRCh37 (hg19) VCF-style: chr17-19575129-GCTAACAAACTC-AGTTGGG.
Other names: c.1303_1314delinsAGTTGGG, p.Ala435fs (NM_001031806.2, NM_001369136.1, NM_001369137.2 and 2 more transcripts); c.724_735delinsAGTTGGG, p.Ala242fs (NM_001369148.2); c.1208-3742_1208-3731delinsAGTTGGG (NM_001369146.2); short protein forms A242fs, A435fs.
Identifiers: ClinVar variation 2416519 (VCV002416519.3), dbSNP rs2544405582, ClinGen allele CA2580092705.

ClinVar aggregate classification (germline): Pathogenic (1 of 4 stars; one submission).

Submission:

Labcorp Genetics (formerly Invitae), Labcorp
Classification: Pathogenic. Last evaluated: 2022-09-13. Review status: criteria provided, single submitter. Criteria: Invitae Variant Classification Sherloc (09022015). Collection method: clinical testing. Allele origin: germline.
Comment: This sequence change results in a frameshift in the ALDH3A2 gene (p.Ala435Serfs*68). While this is not anticipated to result in nonsense mediated decay, it is expected to disrupt the last 51 amino acid(s) of the ALDH3A2 protein and extend the protein by 18 additional amino acid residues. This variant is not present in population databases (gnomAD no frequency). This variant has not been reported in the literature in individuals affected with ALDH3A2-related conditions. This variant disrupts a region of the ALDH3A2 protein in which other variant(s) (p.Glu462Asnfs*13) have been determined to be pathogenic (PMID: 10233781). This suggests that this is a clinically significant region of the protein, and that variants that disrupt it are likely to be disease-causing. For these reasons, this variant has been classified as Pathogenic.

Literature cited by the submitters: PubMed 10233781.